The following is an entry in ClinVar:

NM_001365999.1(SZT2):c.1769C>A (p.Thr590Lys)

Gene: SZT2 (SZT2 subunit of KICSTOR complex; plus strand). Cytogenetic location: 1p34.2.
Variant type: single nucleotide variant.
Coding change: c.1769C>A on transcript NM_001365999.1 (MANE Select); coding-DNA position 1769, C replaced by A.
Protein change: p.Thr590Lys; replaces threonine 590 with lysine.
Molecular consequence: missense variant.
Genome position (GRCh38, 1-based): chr1:43,422,225, C>A. VCF-style: chr1-43422225-C-A. GRCh37 (hg19) VCF-style: chr1-43887896-C-A.
Other names: c.1769C>A, p.Thr590Lys (NM_015284.4); short protein forms T590K.
Identifiers: ClinVar variation 5009262 (VCV005009262.1).

ClinVar aggregate classification (germline): Uncertain significance (1 of 4 stars; one submission).

Submission:

GeneDx
Classification: Uncertain significance. Last evaluated: 2026-03-16. Review status: criteria provided, single submitter. Criteria: GeneDx Variant Classification Process June 2021. Collection method: clinical testing. Allele origin: germline.
Comment: Not observed at significant frequency in large population cohorts (gnomAD); In silico analysis suggests that this missense variant does not alter protein structure/function; Has not been previously published as pathogenic or benign to our knowledge